The following is an entry in ClinVar:

ClinVar aggregate classification (germline): Uncertain significance (1 of 4 stars; one submission).

Allele frequency attached by ClinVar (database versions not stated): gnomAD 0.00001; gnomAD exomes 0.00001; TOPMed 0.00003.
gnomAD v4.1: 8 of 1,204,397 alleles (0.00066%); highest among the groups gnomAD compares: East Asian, 0.003%; no homozygotes.

Submissions (2):

Labcorp Genetics (formerly Invitae), Labcorp
Classification: Uncertain significance. Last evaluated: 2021-07-18. Review status: criteria provided, single submitter. Criteria: Invitae Variant Classification Sherloc (09022015). Collection method: clinical testing. Allele origin: germline.
Comment: Algorithms developed to predict the effect of missense changes on protein structure and function output the following: SIFT: "Tolerated"; PolyPhen-2: "Not Available"; Align-GVGD: "Class C0". The valine amino acid residue is found in multiple mammalian species, which suggests that this missense change does not adversely affect protein function. In summary, the available evidence is currently insufficient to determine the role of this variant in disease. Therefore, it has been classified as a Variant of Uncertain Significance. Algorithms developed to predict the effect of sequence changes on RNA splicing suggest that this variant may create or strengthen a splice site. This variant has not been reported in the literature in individuals affected with COL4A6-related conditions. This variant is not present in population databases (ExAC no frequency). This sequence change replaces alanine with valine at codon 48 of the COL4A6 protein (p.Ala48Val). The alanine residue is weakly conserved and there is a small physicochemical difference between alanine and valine.

Dr. Peter K. Rogan Lab, Western University
No classification provided (evidence only). Condition: Thyroid cancer, nonmedullary, 1. Review status: no classification provided. Collection method: in vitro. Allele origin: not applicable. Functional consequence: retained intron. Not counted in ClinVar's aggregate classification.

NM_033641.4(COL4A6):c.140C>T (p.Ala47Val)

Gene: COL4A6 (collagen type IV alpha 6 chain; minus strand). Cytogenetic location: Xq22.3.
Variant type: single nucleotide variant.
Coding change: c.140C>T on transcript NM_033641.4 (MANE Select); coding-DNA position 140, C replaced by T.
Protein change: p.Ala47Val; replaces alanine 47 with valine.
Molecular consequence: missense variant.
Genome position (GRCh38, 1-based): chrX:108,310,752, G>A on the plus strand (C>T on the coding strand, the complement: COL4A6 is on the minus strand). VCF-style: chrX-108310752-G-A. GRCh37 (hg19) VCF-style: chrX-107553982-G-A.
Other names: c.140C>T, p.Ala47Val (NM_001287758.2, NM_001287759.2, NM_001287760.2); c.143C>T, p.Ala48Val (NM_001847.4); short protein forms A47V, A48V.
Identifiers: ClinVar variation 1422936 (VCV001422936.9), dbSNP rs774796939, ClinGen allele CA413905471.